The following is an entry in ClinVar:

ClinVar aggregate classification (germline): Uncertain significance. Review status: criteria provided, multiple submitters, no conflicts (2 of 4 stars). 3 submissions from 3 submitters: Uncertain significance (3). Last evaluated 2024-08-27.

Conditions:
Charcot-Marie-Tooth disease axonal type 2L. Also called: CHARCOT-MARIE-TOOTH DISEASE, AXONAL, AUTOSOMAL DOMINANT, TYPE 2L; CHARCOT-MARIE-TOOTH NEUROPATHY, AXONAL, TYPE 2L; Charcot-Marie-Tooth Neuropathy Type 2L. Identifiers: Orphanet 99945, MedGen C1837552, MONDO:0012096, OMIM 608673.

Allele frequency attached by ClinVar (database versions not stated): TOPMed 0.00002.

Submissions (3):

Labcorp Genetics (formerly Invitae), Labcorp
Classification: Uncertain significance for Charcot-Marie-Tooth disease axonal type 2L. Last evaluated: 2024-08-27. Review status: criteria provided, single submitter. Criteria: Invitae Variant Classification Sherloc (09022015). Collection method: clinical testing. Allele origin: germline.
Comment: This sequence change replaces arginine, which is basic and polar, with serine, which is neutral and polar, at codon 29 of the HSPB8 protein (p.Arg29Ser). This variant is present in population databases (rs748320300, gnomAD 0.006%). This variant has not been reported in the literature in individuals affected with HSPB8-related conditions. ClinVar contains an entry for this variant (Variation ID: 858430). An algorithm developed to predict the effect of missense changes on protein structure and function (PolyPhen-2) suggests that this variant is likely to be disruptive. In summary, the available evidence is currently insufficient to determine the role of this variant in disease. Therefore, it has been classified as a Variant of Uncertain Significance.

GeneDx
Classification: Uncertain significance. Last evaluated: 2022-07-22. Review status: criteria provided, single submitter. Criteria: GeneDx Variant Classification Process June 2021. Collection method: clinical testing. Allele origin: germline. Affected: yes.
Comment: In silico analysis supports that this missense variant has a deleterious effect on protein structure/function; Has not been previously published as pathogenic or benign to our knowledge

CeGaT Center for Human Genetics Tuebingen
Classification: Uncertain significance. Last evaluated: 2020-02-01. Review status: criteria provided, single submitter. Criteria: CeGaT Center For Human Genetics Tuebingen Variant Classification Criteria Version 2. Collection method: clinical testing. Allele origin: germline. Affected: yes. Observed: 1 variant allele.

NM_014365.3(HSPB8):c.85C>A (p.Arg29Ser)

Gene: HSPB8 (heat shock protein family B (small) member 8; plus strand). Cytogenetic location: 12q24.23.
Variant type: single nucleotide variant.
Coding change: c.85C>A on transcript NM_014365.3 (MANE Select); coding-DNA position 85, C replaced by A.
Protein change: p.Arg29Ser; replaces arginine 29 with serine.
Molecular consequence: missense variant.
Genome position (GRCh38, 1-based): chr12:119,179,397, C>A. VCF-style: chr12-119179397-C-A. GRCh37 (hg19) VCF-style: chr12-119617202-C-A.
Other names: short protein forms R29S.
Identifiers: ClinVar variation 858430 (VCV000858430.51), dbSNP rs748320300, ClinGen allele CA6819494.